The following is an entry in ClinVar:

NM_080669.6(SLC46A1):c.1165+3G>C

Genes: SLC46A1 (solute carrier family 46 member 1; minus strand), SARM1 (sterile alpha and TIR motif containing 1; plus strand). Cytogenetic location: 17q11.2.
Variant type: single nucleotide variant.
Coding change: c.1165+3G>C on transcript NM_080669.6 (MANE Select); 3 bases into the intron after coding-DNA position 1165, G replaced by C.
Molecular consequence: intron variant. On other transcripts: 3 prime UTR variant (1).
Genome position (GRCh38, 1-based): chr17:28,402,235, C>G on the plus strand (G>C on the coding strand, the complement: SLC46A1 is on the minus strand). VCF-style: chr17-28402235-C-G. GRCh37 (hg19) VCF-style: chr17-26729253-C-G.
Other names: c.*5949C>G (NM_015077.4); c.1082-1469G>C (NM_001242366.3).
Identifiers: ClinVar variation 1362807 (VCV001362807.6), dbSNP rs1261303580, ClinGen allele CA499093681.

ClinVar aggregate classification (germline): Uncertain significance (1 of 4 stars; one submission).

Allele frequency attached by ClinVar (database versions not stated): TOPMed below 0.00001.
gnomAD v4.1: 12 of 1,611,958 alleles (0.00074%); highest among the groups gnomAD compares: Admixed American, 0.0033%; no homozygotes.

Submission:

Labcorp Genetics (formerly Invitae), Labcorp
Classification: Uncertain significance. Last evaluated: 2021-08-09. Review status: criteria provided, single submitter. Criteria: Invitae Variant Classification Sherloc (09022015). Collection method: clinical testing. Allele origin: germline.
Comment: This sequence change falls in intron 3 of the SLC46A1 gene. It does not directly change the encoded amino acid sequence of the SLC46A1 protein. It affects a nucleotide within the consensus splice site of the intron. This variant is not present in population databases (ExAC no frequency). This variant has not been reported in the literature in individuals affected with SLC46A1-related conditions. Variants that disrupt the consensus splice site are a relatively common cause of aberrant splicing (PMID: 17576681, 9536098). Experimental studies and prediction algorithms are not available or were not evaluated, and the effect of this variant on mRNA splicing is currently unknown. In summary, the available evidence is currently insufficient to determine the role of this variant in disease. Therefore, it has been classified as a Variant of Uncertain Significance.

Literature cited by the submitters: PubMed 17576681; PubMed 9536098.